The following is an entry in ClinVar:

NM_001253852.3(AP4B1):c.1591C>T (p.Arg531Trp)

Genes: AP4B1-AS1 (AP4B1 antisense RNA 1; plus strand), AP4B1 (adaptor related protein complex 4 subunit beta 1; minus strand). Cytogenetic location: 1p13.2.
Variant type: single nucleotide variant.
Coding change: c.1591C>T on transcript NM_001253852.3 (MANE Select); coding-DNA position 1591, C replaced by T.
Protein change: p.Arg531Trp; replaces arginine 531 with tryptophan.
Molecular consequence: missense variant.
Genome position (GRCh38, 1-based): chr1:113,895,958, G>A on the plus strand (C>T on the coding strand, the complement: AP4B1 is on the minus strand). VCF-style: chr1-113895958-G-A. GRCh37 (hg19) VCF-style: chr1-114438580-G-A.
Other names: c.1591C>T (NM_006594.3); c.1294C>T, p.Arg432Trp (NM_001253853.3); c.1087C>T, p.Arg363Trp (NM_001308312.2); c.1591C>T, p.Arg531Trp (NM_006594.5); short protein forms R363W, R432W, R531W.
Identifiers: ClinVar variation 1344463 (VCV001344463.7), dbSNP rs745939325, ClinGen allele CA1015750.
Genomic context (GRCh38, chr1:113,895,958, plus strand): 5'-TTTCTGCCGGATCCTCCAAAAGTCCAAGAGTAGGGTCAGATTTAGGGCTACACAGAATCC[G>A]CTTAACTTCATCAATGCCAACTAAGAGGAGGCGATAATAGAAGAGACCTCGGTCCCGTAC-3'
Protein context (NP_001240781.1, residues 521-541): LLLVGIDEVK[Arg531Trp]ILCSPKSDPT

ClinVar aggregate classification (germline): Uncertain significance. Review status: criteria provided, multiple submitters, no conflicts (2 of 4 stars). 4 submissions from 4 submitters: Uncertain significance (4). Last evaluated 2024-05-09.

Conditions:
Hereditary spastic paraplegia 47. Also called: adaptor protein 4 (AP-4) deficiency syndrome; CEREBRAL PALSY, SPASTIC QUADRIPLEGIC, 5; Spastic paraplegia 47, autosomal recessive. Identifiers: Orphanet 280763, MedGen C3279738, MONDO:0013551, OMIM 614066.
Hereditary spastic paraplegia. Also called: Familial spastic paraparesis. Identifiers: Orphanet 685, MedGen C0037773, MONDO:0019064. Disease mechanism: loss of function.

Allele frequency attached by ClinVar (database versions not stated): gnomAD 0.00005 and 0.00006; gnomAD exomes 0.00006 and 0.00012; TOPMed 0.00009; ExAC 0.00013.
gnomAD v4.1: 87 of 1,614,024 alleles (0.0054%); highest among the groups gnomAD compares: East Asian, 0.045%; no homozygotes.

Submissions (4):

GeneDx
Classification: Uncertain significance. Last evaluated: 2024-05-09. Review status: criteria provided, single submitter. Criteria: GeneDx Variant Classification Process June 2021. Collection method: clinical testing. Allele origin: germline. Affected: yes.
Comment: Reported previously as a variant of uncertain significance and seen in trans with a second variant of uncertain significance in a fetus with ultrasound findings of talipes equinovarus (PMID: 36307859); In silico analysis supports that this missense variant has a deleterious effect on protein structure/function; This variant is associated with the following publications: (PMID: 36307859)

Genome-Nilou Lab
Classification: Uncertain significance for Hereditary spastic paraplegia 47. Last evaluated: 2023-04-11. Review status: criteria provided, single submitter. Criteria: ACMG Guidelines, 2015. Collection method: clinical testing. Allele origin: germline. Affected: no.

Labcorp Genetics (formerly Invitae), Labcorp
Classification: Uncertain significance for Hereditary spastic paraplegia 47. Last evaluated: 2021-12-03. Review status: criteria provided, single submitter. Criteria: Invitae Variant Classification Sherloc (09022015). Collection method: clinical testing. Allele origin: germline.
Comment: This sequence change replaces arginine, which is basic and polar, with tryptophan, which is neutral and slightly polar, at codon 531 of the AP4B1 protein (p.Arg531Trp). This variant is present in population databases (rs745939325, gnomAD 0.1%). This variant has not been reported in the literature in individuals affected with AP4B1-related conditions. Algorithms developed to predict the effect of missense changes on protein structure and function are either unavailable or do not agree on the potential impact of this missense change (SIFT: "Deleterious"; PolyPhen-2: "Benign"; Align-GVGD: "Class C15"). In summary, the available evidence is currently insufficient to determine the role of this variant in disease. Therefore, it has been classified as a Variant of Uncertain Significance.

Genome Diagnostics Laboratory, The Hospital for Sick Children
Classification: Uncertain significance for Hereditary spastic paraplegia. Last evaluated: 2020-02-01. Review status: criteria provided, single submitter. Criteria: ACMG Guidelines, 2015. Collection method: clinical testing. Allele origin: germline. Affected: yes.